The following is an entry in ClinVar:

NM_001201427.2(DAAM2):c.550T>C (p.Leu184=)

Gene: DAAM2 (dishevelled associated activator of morphogenesis 2; plus strand). Cytogenetic location: 6p21.2.
Variant type: single nucleotide variant.
Coding change: c.550T>C on transcript NM_001201427.2 (MANE Select); coding-DNA position 550, T replaced by C.
Protein change: p.Leu184=; no amino-acid change (leucine 184 retained).
Molecular consequence: synonymous variant.
Genome position (GRCh38, 1-based): chr6:39,867,631, T>C. VCF-style: chr6-39867631-T-C. GRCh37 (hg19) VCF-style: chr6-39835407-T-C.
Other names: c.550T>C, p.Leu184= (NM_015345.4).
Identifiers: ClinVar variation 4979402 (VCV004979402.1).

ClinVar aggregate classification (germline): Likely benign (1 of 4 stars; one submission).

Conditions:
DAAM2-related disorder. Also called: DAAM2-related condition.

gnomAD v4.1: 335 of 1,613,896 alleles (0.021%); highest among the groups gnomAD compares: Admixed American, 0.03%; no homozygotes.

Submission:

PreventionGenetics, part of Exact Sciences
Classification: Likely benign for DAAM2-related condition. Last evaluated: 2026-02-16. Review status: criteria provided, single submitter. Criteria: ACMG Guidelines, 2015. Collection method: clinical testing. Allele origin: germline.
Comment: This variant is classified as likely benign based on ACMG/AMP sequence variant interpretation guidelines (Richards et al. 2015 PMID: 25741868, with internal and published modifications).